The following is an entry in ClinVar:

ClinVar aggregate classification (germline): Uncertain significance (1 of 4 stars; one submission).

Submission:

Labcorp Genetics (formerly Invitae), Labcorp
Classification: Uncertain significance. Last evaluated: 2022-03-11. Review status: criteria provided, single submitter. Criteria: Invitae Variant Classification Sherloc (09022015). Collection method: clinical testing. Allele origin: germline.
Comment: In summary, the available evidence is currently insufficient to determine the role of this variant in disease. Therefore, it has been classified as a Variant of Uncertain Significance. Algorithms developed to predict the effect of missense changes on protein structure and function output the following: SIFT: "Tolerated"; PolyPhen-2: "Benign"; Align-GVGD: "Class C0". The serine amino acid residue is found in multiple mammalian species, which suggests that this missense change does not adversely affect protein function. This variant has not been reported in the literature in individuals affected with GUCA1B-related conditions. This variant is not present in population databases (gnomAD no frequency). This sequence change replaces glycine, which is neutral and non-polar, with serine, which is neutral and polar, at codon 60 of the GUCA1B protein (p.Gly60Ser).

NM_002098.6(GUCA1B):c.178G>A (p.Gly60Ser)

Gene: GUCA1B (guanylate cyclase activator 1B; minus strand). Cytogenetic location: 6p21.1.
Variant type: single nucleotide variant.
Coding change: c.178G>A on transcript NM_002098.6 (MANE Select); coding-DNA position 178, G replaced by A.
Protein change: p.Gly60Ser; replaces glycine 60 with serine.
Molecular consequence: missense variant.
Genome position (GRCh38, 1-based): chr6:42,194,643, C>T on the plus strand (G>A on the coding strand, the complement: GUCA1B is on the minus strand). VCF-style: chr6-42194643-C-T. GRCh37 (hg19) VCF-style: chr6-42162381-C-T.
Other names: short protein forms G60S.
Identifiers: ClinVar variation 2067709 (VCV002067709.4), dbSNP rs2546730362, ClinGen allele CA364113828.